The following is an entry in ClinVar:

ClinVar aggregate classification (germline): Pathogenic. Review status: criteria provided, single submitter (1 of 4 stars). 2 submissions from 2 submitters: Pathogenic (1). 1 of the submissions does not count toward it. Last evaluated 2025-02-27.

Conditions:
IFT74-related disorder. Also called: IFT74-related condition; IFT74-Related Disorders.

Allele frequency attached by ClinVar (database versions not stated): gnomAD exomes 0.00004; TOPMed 0.00001; gnomAD 0.00002.

Submissions (2):

Labcorp Genetics (formerly Invitae), Labcorp
Classification: Pathogenic. Last evaluated: 2025-02-27. Review status: criteria provided, single submitter. Criteria: Invitae Variant Classification Sherloc (09022015). Collection method: clinical testing. Allele origin: germline.
Comment: This sequence change creates a premature translational stop signal (p.Glu306Argfs*14) in the IFT74 gene. It is expected to result in an absent or disrupted protein product. Loss-of-function variants in IFT74 are known to be pathogenic (PMID: 33531668). This variant is present in population databases (no rsID available, gnomAD 0.002%). This variant has not been reported in the literature in individuals affected with IFT74-related conditions. ClinVar contains an entry for this variant (Variation ID: 2905576). For these reasons, this variant has been classified as Pathogenic.

PreventionGenetics, part of Exact Sciences
Classification: Likely pathogenic for IFT74-related condition. Last evaluated: 2024-01-29. Review status: no assertion criteria provided. Collection method: clinical testing. Allele origin: germline. Not counted in ClinVar's aggregate classification.
Comment: The IFT74 c.915delA variant is predicted to result in a frameshift and premature protein termination (p.Glu306Argfs*14). To our knowledge, this variant has not been reported in the literature. This variant is reported in 0.0016% of alleles in individuals of European (Non-Finnish) descent in gnomAD. Frameshift variants in IFT74 are expected to be pathogenic. This variant is interpreted as likely pathogenic.

Literature cited by the submitters: PubMed 33531668 (cited by Labcorp Genetics (formerly Invitae), Labcorp).

NM_025103.4(IFT74):c.915del (p.Glu306fs)

Gene: IFT74 (intraflagellar transport 74; plus strand). Cytogenetic location: 9p21.2.
Variant type: Deletion.
Coding change: c.915del on transcript NM_025103.4 (MANE Select); coding-DNA position 915, one base deleted (A; older notation c.915delA).
Protein change: p.Glu306fs; shifts the reading frame from glutamic acid 306.
Molecular consequence: frameshift variant.
Genome position (GRCh38, 1-based): chr9:27,017,032, A deleted. VCF-style (leftmost placement, unchanged base first): chr9-27017031-GA-G. GRCh37 (hg19) VCF-style: chr9-27017029-GA-G.
Other names: c.915delA (NM_025103.2); c.915del, p.Glu306fs (NM_001099222.3, NM_001099223.3, NM_001099224.3 and 1 more transcripts); short protein forms E306fs.
Identifiers: ClinVar variation 2905576 (VCV002905576.4), dbSNP rs1350359379, ClinGen allele CA464163473.